The following is an entry in ClinVar:

ClinVar aggregate classification (germline): Likely benign. Review status: reviewed by expert panel (3 of 4 stars). 18 submissions from 17 submitters: Likely benign (1). 17 of the submissions do not count toward it. Last evaluated 2025-06-18.

Conditions:
Usher syndrome. Also called: Usher Syndromes; Usher's syndrome. Identifiers: Orphanet 886, MedGen CN469326, MeSH D052245, MONDO:0019501. Disease mechanism: loss of function.
USH2A-related disorder. Also called: USH2A-related disorders; USH2A-related condition. Identifiers: MedGen CN239332.
Isolated cerebellar hypoplasia/agenesis (CHEGDD). Also called: Cerebellar hypoplasia/atrophy, epilepsy, and global developmental delay. Identifiers: Orphanet 1398, Orphanet 2246, MedGen C5231391, MONDO:0008939, OMIM 213000.
Joubert syndrome. Also called: JOUBERT-BOLTSHAUSER SYNDROME; Familial aplasia of the vermis. Identifiers: Orphanet 475, MedGen C5979921, MONDO:0018772.
Cerebellar hemisphere hypoplasia. Identifiers: MedGen C4022154, HP:0100307.
Congenital sensorineural hearing impairment. Identifiers: MedGen C1865866, HP:0008527.
Hypoplasia of the brainstem. Identifiers: MedGen C1842688, HP:0002365.
Amblyopia. Identifiers: MedGen C0002418, MONDO:0001020, HP:0000646.
Delayed speech and language development. Also called: Language delay. Identifiers: MedGen C0454644, HP:0000750.
Motor delay. Also called: Motor retardation; Motor Developmental Delay. Identifiers: MedGen C1854301, HP:0001270.
Retinal dystrophy. Also called: Inherited retinal dystrophy. Identifiers: Orphanet 71862, MedGen C0854723, MeSH D058499, MONDO:0019118, HP:0000556.
Retinitis pigmentosa 39 (RP39). Identifiers: Orphanet 791, MedGen C3151138, MONDO:0013436, OMIM 613809.
Usher syndrome type 2A. Also called: USHER SYNDROME, TYPE IIA; RETINAL DISEASE IN USHER SYNDROME TYPE IIA, MODIFIER OF. Identifiers: Orphanet 231178, Orphanet 886, MedGen C1848634, MONDO:0010169, OMIM 276901.
Retinitis pigmentosa (RP). Identifiers: Orphanet 791, MedGen C0035334, MeSH D012174, MONDO:0019200, OMIM 268000. Inheritance: Autosomal dominant, autosomal recessive and X linked inheritance.

Allele frequency attached by ClinVar (database versions not stated): gnomAD exomes 0.00060 and 0.00080; gnomAD 0.00069 and 0.00071; ExAC 0.00076; ESP Exome Variant Server 0.00123; 1000 Genomes Project 0.00020; 1000 Genomes Project 30x 0.00031; TOPMed 0.00057.
gnomAD v4.1: 1,246 of 1,613,836 alleles (0.077%); highest among the groups gnomAD compares: Non-Finnish European, 0.097%; no homozygotes.

Submissions (18):

ClinGen Hearing Loss Variant Curation Expert Panel
Classification: Likely benign for Usher syndrome. Last evaluated: 2025-06-18. Review status: reviewed by expert panel. Criteria: Clingen Hl Acmg Specifications Cdh23 Coch Gjb2 Kcnq4 Myo6 Myo7a Slc26a4 Tecta Ush2a V2. Collection method: curation. Allele origin: germline. Inheritance: Autosomal recessive inheritance.
Comment: The allele frequency of the c.1966G>A (p.Asp656Asn) variant in USH2A is 0.09251% (1246/1613836 CI 95%) of European (Non Finnish) alleles in gnomAD v4, which is a higher frequency than would be expected for an autosomal recessive pathogenic variant based on the thresholds defined by the ClinGen Hearing Loss Expert Panel (BS1_Supporting). The variant has been identified in 3 probands with hearing loss and 2 probands with Usher syndrome (SCV000065500.6; PMID: 16963483); however an alternate cause of hearing loss in other genes was identified in 3 probands (SCV000065500.6), and a second variant in USH2A was not identified in the other two probands (SCV000065500.6; PMID: 16963483). Finally, in the last proband, another likely benign variant was identified with phasing unknown (SCV000065500.6). Altogether, this evidence does not meet the criteria set to apply PM3_Supporting. Additionally, computational prediction analysis using the metapredictor tool REVEL suggests that the variant may not impact the protein (BP4). In summary, the c.1966G>A (p.Asp656Asn) variant meets criteria to be classified as likely benign. ACMG/AMP criteria applied, as specified by the Hearing Loss Expert Panel: BS1_Supporting, BP4.

CeGaT Center for Human Genetics Tuebingen
Classification: Likely benign. Last evaluated: 2026-04-01. Review status: criteria provided, single submitter. Criteria: CeGaT Center For Human Genetics Tuebingen Variant Classification Criteria Version 2. Collection method: clinical testing. Allele origin: germline. Affected: yes. Observed: 5 variant alleles. Not counted in ClinVar's aggregate classification.
Comment: USH2A: BP4

Labcorp Genetics (formerly Invitae), Labcorp
Classification: Likely benign. Last evaluated: 2026-01-11. Review status: criteria provided, single submitter. Criteria: Invitae Variant Classification Sherloc (09022015). Collection method: clinical testing. Allele origin: germline. Not counted in ClinVar's aggregate classification.

Blueprint Genetics
Classification: Likely benign. Last evaluated: 2024-11-13. Review status: criteria provided, single submitter. Criteria: ACMG Guidelines, 2015. Collection method: clinical testing. Allele origin: germline. Not counted in ClinVar's aggregate classification.

Laboratory for Molecular Medicine, Mass General Brigham Personalized Medicine
Classification: Likely benign. Last evaluated: 2022-06-10. Review status: criteria provided, single submitter. Criteria: ACMG Guidelines, 2015. Collection method: clinical testing. Allele origin: germline. Not counted in ClinVar's aggregate classification.
Comment: The p.Asp656Asn variant in USH2A has been reported in 3 individuals with Usher syndrome and 1 individual with hearing loss (Cremers 2007 PMID: 16963483, LMM data). However, the role of this variant in these 3 individuals remains inconclusive for various reasons (2 of the individuals with Usher syndrome [LMM data] had two pathogenic variants in a different gene that explained disease, the study that reported 1 individual with Usher syndrome did not comment on whether or not a second variant was present [Cremers 2007 PMID: 16963483], and the individual with hearing loss [LMM data], did not harbor a pathogenic variant on the remaining copy of USH2A). In addition, the p.Asp656Asn variant has been reported in 1 individual with inherited isolated retinitis pigmentosa along with 2 additional USH2A variants (p.Thr3667Pro and p.Gln3326X; Carss 2017 PMID: 28041643); however, phase was undetermined. This variant was also found in one individual with retinal disease and 1 individual with uveitis (Holtan 2020 PMID: 31429209, Li 2021 PMID: 32707200). This variant has also been identified in 0.1% (145/129044) of European chromosomes by gnomAD and is reported in ClinVar (Variation ID: 48481) as likely benign by the ClinGen Hearing Loss Expert Panel. Additionally, computational prediction analysis using the metapredictor tool REVEL suggests that the variant may not impact the protein. In summary, the high MAF, presence in multiple cases with an alternate cause, and the computational data suggest that it is more likely to be benign. ACMG/AMP Criteria applied: BS1_Supporting, BP4.

Myriad Genetics, Inc.
Classification: Uncertain significance for Usher syndrome type 2A. Last evaluated: 2021-10-27. Review status: criteria provided, single submitter. Criteria: Myriad Women's Health Autosomal Recessive and X-Linked Classification Criteria (2021). Collection method: clinical testing. Allele origin: unknown. Not counted in ClinVar's aggregate classification.
Comment: NM_206933.2(USH2A):c.1966G>A(D656N) is a missense variant classified as a variant of uncertain significance in the context of USH2A-related disorders. D656N has been observed in cases with relevant disease (PMID: 16963483, 28041643, 31429209). Functional assessments of this variant are not available in the literature. D656N has been observed in population frequency databases (gnomAD: NFE 0.11%). In summary, there is insufficient evidence to classify NM_206933.2(USH2A):c.1966G>A(D656N) as pathogenic or benign. Please note: this variant was assessed in the context of healthy population screening.

Fulgent Genetics
Classification: Likely benign for Usher syndrome type 2A; Retinitis pigmentosa 39. Last evaluated: 2021-07-28. Review status: criteria provided, single submitter. Criteria: ACMG Guidelines, 2015. Collection method: clinical testing. Allele origin: unknown. Not counted in ClinVar's aggregate classification.

GeneDx
Classification: Likely benign. Last evaluated: 2020-11-04. Review status: criteria provided, single submitter. Criteria: GeneDx Variant Classification Process June 2021. Collection method: clinical testing. Allele origin: germline. Affected: yes. Not counted in ClinVar's aggregate classification.
Comment: In silico analysis supports that this missense variant does not alter protein structure/function; This variant is associated with the following publications: (PMID: 16963483, 29767709, 28041643, 30245029, 32707200)

Illumina Laboratory Services, Illumina
Classification: Uncertain significance for Usher syndrome type 2A. Last evaluated: 2017-04-28. Review status: criteria provided, single submitter. Criteria: ICSL Variant Classification Criteria 13 December 2019. Collection method: clinical testing. Allele origin: germline. Not counted in ClinVar's aggregate classification.
Comment: This variant was observed as part of a predisposition screen in an ostensibly healthy population. A literature search was performed for the gene, cDNA change, and amino acid change (where applicable). Publications were found based on this search. However, the evidence from the literature, in combination with allele frequency data from public databases where available, was not sufficient to rule this variant in or out of causing disease. Therefore, this variant is classified as a variant of unknown significance.

Illumina Laboratory Services, Illumina
Classification: Uncertain significance for Retinitis pigmentosa. Last evaluated: 2017-04-28. Review status: criteria provided, single submitter. Criteria: ICSL Variant Classification Criteria 13 December 2019. Collection method: clinical testing. Allele origin: germline. Not counted in ClinVar's aggregate classification.

Centre for Mendelian Genomics, University Medical Centre Ljubljana
Classification: Uncertain significance for Agenesis of cerebellar vermis; Amblyopia; Cerebellar hemisphere hypoplasia; Cerebellar hypoplasia; Congenital sensorineural hearing impairment; Delayed speech and language development; Hypoplasia of the brainstem; Motor delay. Last evaluated: 2017-01-01. Review status: criteria provided, single submitter. Criteria: ACMG Guidelines, 2015. Collection method: clinical testing. Allele origin: unknown. Affected: yes. Not counted in ClinVar's aggregate classification.

Institute of Human Genetics, Univ. Regensburg, Univ. Regensburg
Classification: Uncertain significance for Retinal dystrophy. Last evaluated: 2017-01-01. Review status: criteria provided, single submitter. Criteria: ACMG Guidelines, 2015. Collection method: clinical testing. Allele origin: germline. Affected: yes. Not counted in ClinVar's aggregate classification.

Breakthrough Genomics
Classification: Likely benign. Review status: criteria provided, single submitter. Criteria: ACMG Guidelines, 2015. Collection method: not provided. Allele origin: germline. Inheritance: Autosomal recessive inheritance. Affected: yes. Not counted in ClinVar's aggregate classification.

PreventionGenetics, part of Exact Sciences
Classification: Likely benign for USH2A-related condition. Last evaluated: 2021-04-20. Review status: no assertion criteria provided. Collection method: clinical testing. Allele origin: germline. Not counted in ClinVar's aggregate classification.
Comment: This variant is classified as likely benign based on ACMG/AMP sequence variant interpretation guidelines (Richards et al. 2015 PMID: 25741868, with internal and published modifications).

Natera, Inc.
Classification: Uncertain significance for Usher syndrome type 2A. Last evaluated: 2020-09-16. Review status: no assertion criteria provided. Collection method: clinical testing. Allele origin: germline. Not counted in ClinVar's aggregate classification.

NIHR Bioresource Rare Diseases, University of Cambridge
Classification: Uncertain significance for Retinitis pigmentosa. Last evaluated: 2015-01-01. Review status: no assertion criteria provided. Collection method: research. Allele origin: unknown. Affected: yes. Observed: 1 variant allele. Not counted in ClinVar's aggregate classification.

Clinical Genetics DNA and cytogenetics Diagnostics Lab, Erasmus MC, Erasmus Medical Center
Classification: Uncertain significance. Review status: no assertion criteria provided. Collection method: clinical testing. Allele origin: germline. Affected: yes. Study: VKGL Data-share Consensus. Not counted in ClinVar's aggregate classification.

Joint Genome Diagnostic Labs from Nijmegen and Maastricht, Radboudumc and MUMC+
Classification: Uncertain significance. Review status: no assertion criteria provided. Collection method: clinical testing. Allele origin: germline. Affected: yes. Study: VKGL Data-share Consensus. Not counted in ClinVar's aggregate classification.

Literature cited by the submitters: PubMed 16963483 (cited by 5 submitters); PubMed 28041643 (cited by 4 submitters); PubMed 29767709 (cited by Laboratory for Molecular Medicine, Mass General Brigham Personalized Medicine and Institute of Human Genetics, Univ. Regensburg, Univ. Regensburg); PubMed 30245029 (cited by Laboratory for Molecular Medicine, Mass General Brigham Personalized Medicine and Institute of Human Genetics, Univ. Regensburg, Univ. Regensburg); PubMed 31429209 (cited by Myriad Genetics, Inc. and Institute of Human Genetics, Univ. Regensburg, Univ. Regensburg); PubMed 32707200 (cited by Institute of Human Genetics, Univ. Regensburg, Univ. Regensburg); PubMed 34426522 (cited by Institute of Human Genetics, Univ. Regensburg, Univ. Regensburg).

NM_206933.4(USH2A):c.1966G>A (p.Asp656Asn)

Gene: USH2A (usherin; minus strand). Cytogenetic location: 1q41.
Variant type: single nucleotide variant.
Coding change: c.1966G>A on transcript NM_206933.4 (MANE Select); coding-DNA position 1966, G replaced by A.
Protein change: p.Asp656Asn; replaces aspartic acid 656 with asparagine.
Molecular consequence: missense variant.
Genome position (GRCh38, 1-based): chr1:216,289,285, C>T on the plus strand (G>A on the coding strand, the complement: USH2A is on the minus strand). VCF-style: chr1-216289285-C-T. GRCh37 (hg19) VCF-style: chr1-216462627-C-T.
Other names: c.1966G>A, p.Asp656Asn (NM_007123.6); short protein forms D656N.
Identifiers: ClinVar variation 48481 (VCV000048481.73), dbSNP rs146824138, ClinGen allele CA143431.